The following is an entry in ClinVar:

ClinVar aggregate classification (germline): Conflicting classifications of pathogenicity. Review status: criteria provided, conflicting classifications (1 of 4 stars). 4 submissions from 4 submitters: Uncertain significance (3); Benign (1). Last evaluated 2026-01-04.

Conditions:
Ehlers-Danlos syndrome, classic type, 1 (EDSCL1). Also called: Ehlers-Danlos Syndrome, Classic Type, COL5A1-Related; EHLERS-DANLOS SYNDROME, GRAVIS TYPE; EHLERS-DANLOS SYNDROME, SEVERE CLASSIC TYPE; Ehlers-Danlos syndrome, type 1; EDS I. Identifiers: MedGen C0268335, MONDO:0019567, OMIM 130000.
Fibromuscular dysplasia, multifocal. Identifiers: MedGen C5543412, MONDO:0859151, OMIM 619329.

Allele frequency attached by ClinVar (database versions not stated): gnomAD 0.00003 and 0.00004; TOPMed 0.00003; ESP Exome Variant Server 0.00008.
gnomAD v4.1: 111 of 1,613,778 alleles (0.0069%); highest among the groups gnomAD compares: South Asian, 0.019%; no homozygotes.

Submissions (4):

Labcorp Genetics (formerly Invitae), Labcorp
Classification: Benign for Ehlers-Danlos syndrome, classic type, 1. Last evaluated: 2026-01-04. Review status: criteria provided, single submitter. Criteria: Invitae Variant Classification Sherloc (09022015). Collection method: clinical testing. Allele origin: germline.

Mayo Clinic Laboratories, Mayo Clinic
Classification: Uncertain significance. Last evaluated: 2025-11-08. Review status: criteria provided, single submitter. Criteria: ACMG Guidelines, 2015. Collection method: clinical testing. Allele origin: germline. Observed: 2 variant alleles.
Comment: BS1

GeneDx
Classification: Uncertain significance. Last evaluated: 2023-09-08. Review status: criteria provided, single submitter. Criteria: GeneDx Variant Classification Process June 2021. Collection method: clinical testing. Allele origin: germline. Affected: yes.
Comment: Has not been previously published as pathogenic or benign to our knowledge; In silico analysis supports that this missense variant has a deleterious effect on protein structure/function; Occurs in the triple helical domain at the X position in the canonical Gly-X-Y repeat; although this variant may have an effect on normal protein folding and function, missense substitution at the X position is not a common mechanism of disease (Symoens et al., 2012; HGMD); This variant is associated with the following publications: (PMID: 22696272)

Fulgent Genetics
Classification: Uncertain significance for Ehlers-Danlos syndrome, classic type, 1; Fibromuscular dysplasia, multifocal. Last evaluated: 2022-05-06. Review status: criteria provided, single submitter. Criteria: ACMG Guidelines, 2015. Collection method: clinical testing. Allele origin: unknown.

NM_000093.5(COL5A1):c.4522C>A (p.Pro1508Thr)

Genes: COL5A1 (collagen type V alpha 1 chain; plus strand), LOC101448202 (uncharacterized LOC101448202; minus strand). Cytogenetic location: 9q34.3.
Variant type: single nucleotide variant.
Coding change: c.4522C>A on transcript NM_000093.5 (MANE Select); coding-DNA position 4522, C replaced by A.
Protein change: p.Pro1508Thr; replaces proline 1508 with threonine.
Molecular consequence: missense variant. On other transcripts: non-coding transcript variant (1).
Genome position (GRCh38, 1-based): chr9:134,820,191, C>A. VCF-style: chr9-134820191-C-A. GRCh37 (hg19) VCF-style: chr9-137712037-C-A.
Other names: p.P1508T:CCC>ACC; p.Pro1508Thr; c.4522C>A, p.Pro1508Thr (NM_001278074.1); short protein forms P1508T.
Identifiers: ClinVar variation 213054 (VCV000213054.15), dbSNP rs148687561, ClinGen allele CA319748.